The following is an entry in ClinVar:

ClinVar aggregate classification (germline): Pathogenic (1 of 4 stars; one submission).

Submission:

Labcorp Genetics (formerly Invitae), Labcorp
Classification: Pathogenic. Last evaluated: 2025-09-19. Review status: criteria provided, single submitter. Criteria: Invitae Variant Classification Sherloc (09022015). Collection method: clinical testing. Allele origin: germline.
Comment: This sequence change creates a premature translational stop signal (p.Leu1451Argfs*2) in the POLE gene. It is expected to result in an absent or disrupted protein product. Loss-of-function variants in POLE are known to be pathogenic (PMID: 23230001, 25948378, 30503519). This variant is not present in population databases (gnomAD no frequency). This variant has not been reported in the literature in individuals affected with POLE-related conditions. Algorithms developed to predict the effect of sequence changes on RNA splicing suggest that this variant may disrupt the consensus splice site. For these reasons, this variant has been classified as Pathogenic.

Literature cited by the submitters: PubMed 23230001; PubMed 25948378; PubMed 30503519.

NM_006231.4(POLE):c.4352del (p.Leu1451fs)

Gene: POLE (DNA polymerase epsilon, catalytic subunit; minus strand). Cytogenetic location: 12q24.33.
Variant type: Deletion.
Coding change: c.4352del on transcript NM_006231.4 (MANE Select); coding-DNA position 4352, one base deleted (T; older notation c.4352delT).
Protein change: p.Leu1451fs; shifts the reading frame from leucine 1451.
Molecular consequence: frameshift variant.
Genome position (GRCh38, 1-based): chr12:132,643,499, A deleted on the plus strand (T on the coding strand, the reverse complement: POLE is on the minus strand). VCF-style (leftmost placement, unchanged base first): chr12-132643498-CA-C. GRCh37 (hg19) VCF-style: chr12-133220084-CA-C.
Other names: short protein forms L1451fs.
Identifiers: ClinVar variation 4748192 (VCV004748192.1).